The following is an entry in ClinVar:

NM_004568.6(SERPINB6):c.172T>C (p.Ser58Pro)

Gene: SERPINB6 (serpin family B member 6; minus strand). Cytogenetic location: 6p25.2.
Variant type: single nucleotide variant.
Coding change: c.172T>C on transcript NM_004568.6 (MANE Select); coding-DNA position 172, T replaced by C.
Protein change: p.Ser58Pro; replaces serine 58 with proline.
Molecular consequence: missense variant. On other transcripts: non-coding transcript variant (1).
Genome position (GRCh38, 1-based): chr6:2,955,664, A>G on the plus strand (T>C on the coding strand, the complement: SERPINB6 is on the minus strand). VCF-style: chr6-2955664-A-G. GRCh37 (hg19) VCF-style: chr6-2955898-A-G.
Other names: c.184T>C, p.Ser62Pro (NM_001195291.3, NM_001374515.1); c.214T>C, p.Ser72Pro (NM_001271822.2); c.229T>C, p.Ser77Pro (NM_001271823.2); c.172T>C, p.Ser58Pro (NM_001271824.2, NM_001271825.2, NM_001297699.2 and 2 more transcripts); c.40T>C, p.Ser14Pro (NM_001374517.1); short protein forms S14P, S58P, S62P, S72P, S77P.
Identifiers: ClinVar variation 3602959 (VCV003602959.1).
Genomic context (GRCh38, chr6:2,955,664, plus strand): 5'-CGGTGAGAAGAGACTGGAAGCCCTGGTGGATGTCTCCACCACCGCCACTTTTATTGAAAG[A>G]AAGTATCTGAAATCAAAAACAGAATGAAAACAAATCATTCCTGTATGCTCTGACTTCAGG-3'
Protein context (NP_004559.4, residues 48-68): NTAAQMAQIL[Ser58Pro]FNKSGGGGDI

ClinVar aggregate classification (germline): Uncertain significance (1 of 4 stars; one submission).

gnomAD v4.1: 5 of 1,614,088 alleles (0.00031%); highest among the groups gnomAD compares: Non-Finnish European, 0.00034%; no homozygotes.

Submission:

GeneDx
Classification: Uncertain significance. Last evaluated: 2024-08-06. Review status: criteria provided, single submitter. Criteria: GeneDx Variant Classification Process June 2021. Collection method: clinical testing. Allele origin: germline. Affected: yes.
Comment: Not observed at significant frequency in large population cohorts (gnomAD); In silico analysis supports that this missense variant has a deleterious effect on protein structure/function; Has not been previously published as pathogenic or benign to our knowledge